The following is an entry in ClinVar:

ClinVar aggregate classification (germline): Uncertain significance. Review status: criteria provided, multiple submitters, no conflicts (2 of 4 stars). 2 submissions from 2 submitters: Uncertain significance (2). Last evaluated 2024-08-29.

Conditions:
Norman-Roberts syndrome (LIS2). Also called: Lissencephaly 2 (Norman-Roberts type). Identifiers: Orphanet 89844, MedGen C0796089, MONDO:0009760, OMIM 257320.
Familial temporal lobe epilepsy 7. Identifiers: Orphanet 101046, MedGen C4225327, MONDO:0014639, OMIM 616436.

Allele frequency attached by ClinVar (database versions not stated): gnomAD exomes below 0.00001; TOPMed below 0.00001; gnomAD 0.00001; ESP Exome Variant Server 0.00008.
gnomAD v4.1: 4 of 1,601,830 alleles (0.00025%); highest among the groups gnomAD compares: Non-Finnish European, 0.00034%; 1 homozygote.

Submissions (2):

Labcorp Genetics (formerly Invitae), Labcorp
Classification: Uncertain significance for Familial temporal lobe epilepsy 7; Norman-Roberts syndrome. Last evaluated: 2024-08-29. Review status: criteria provided, single submitter. Criteria: Invitae Variant Classification Sherloc (09022015). Collection method: clinical testing. Allele origin: germline.
Comment: This sequence change falls in intron 40 of the RELN gene. It does not directly change the encoded amino acid sequence of the RELN protein. It affects a nucleotide within the consensus splice site. This variant is present in population databases (rs369869975, gnomAD 0.0009%). This variant has not been reported in the literature in individuals affected with RELN-related conditions. ClinVar contains an entry for this variant (Variation ID: 197418). Variants that disrupt the consensus splice site are a relatively common cause of aberrant splicing (PMID: 17576681, 9536098). Algorithms developed to predict the effect of sequence changes on RNA splicing suggest that this variant is not likely to affect RNA splicing. In summary, the available evidence is currently insufficient to determine the role of this variant in disease. Therefore, it has been classified as a Variant of Uncertain Significance.

Eurofins Ntd Llc (ga)
Classification: Uncertain significance. Last evaluated: 2014-07-15. Review status: criteria provided, single submitter. Criteria: EGL Classification Definitions 2015. Collection method: clinical testing. Allele origin: germline. Observed: 1 variant allele, 1 heterozygote.

Literature cited by the submitters: PubMed 17576681 (cited by Labcorp Genetics (formerly Invitae), Labcorp); PubMed 9536098 (cited by Labcorp Genetics (formerly Invitae), Labcorp).

NM_005045.4(RELN):c.6072+4C>G

Gene: RELN (reelin; minus strand). Cytogenetic location: 7q22.1.
Variant type: single nucleotide variant.
Coding change: c.6072+4C>G on transcript NM_005045.4 (MANE Select); 4 bases into the intron after coding-DNA position 6072, C replaced by G.
Molecular consequence: intron variant.
Genome position (GRCh38, 1-based): chr7:103,553,457, G>C on the plus strand (C>G on the coding strand, the complement: RELN is on the minus strand). VCF-style: chr7-103553457-G-C. GRCh37 (hg19) VCF-style: chr7-103193904-G-C.
Other names: c.6072+4C>G (NM_173054.3).
Identifiers: ClinVar variation 197418 (VCV000197418.11), dbSNP rs369869975, ClinGen allele CA245537.
Genomic context (GRCh38, chr7:103,553,457, plus strand): 5'-CCCCTTTCCTAGGTTTTGTTCAATATAAAATTTAAAGCATTTATTATAGAACAAAGTCAA[G>C]TACCTCAAATTGTATGATGGTGTTCTCATTCACATTTAGGTCACGGGTGGTAATGGAATG-3'